The following is an entry in ClinVar:

NM_016284.5(CNOT1):c.4434+148T>G

Gene: CNOT1 (CCR4-NOT transcription complex subunit 1; minus strand). Cytogenetic location: 16q21.
Variant type: single nucleotide variant.
Coding change: c.4434+148T>G on transcript NM_016284.5 (MANE Select); 148 bases into the intron after coding-DNA position 4434, T replaced by G.
Molecular consequence: intron variant. On other transcripts: missense variant (1).
Genome position (GRCh38, 1-based): chr16:58,543,459, A>C on the plus strand (T>G on the coding strand, the complement: CNOT1 is on the minus strand). VCF-style: chr16-58543459-A-C. GRCh37 (hg19) VCF-style: chr16-58577363-A-C.
Other names: c.4582T>G, p.Cys1528Gly (NM_206999.3); c.4419+148T>G (NM_001265612.2); short protein forms C1528G.
Identifiers: ClinVar variation 3048434 (VCV003048434.7), dbSNP rs139225614, ClinGen allele CA8089149.

ClinVar aggregate classification (germline): Likely benign. Review status: criteria provided, single submitter (1 of 4 stars). 2 submissions from 2 submitters: Likely benign (1). 1 of the submissions does not count toward it. Last evaluated 2025-12-01.

Conditions:
CNOT1-related disorder. Also called: CNOT1-related condition.

Allele frequency attached by ClinVar (database versions not stated): ExAC 0.00012; gnomAD 0.00013; TOPMed 0.00016; 1000 Genomes Project 30x 0.00078; 1000 Genomes Project 0.00100.
gnomAD v4.1: 119 of 1,500,658 alleles (0.0079%); highest among the groups gnomAD compares: East Asian, 0.26%; 1 homozygote.

Submissions (2):

CeGaT Center for Human Genetics Tuebingen
Classification: Likely benign. Last evaluated: 2025-12-01. Review status: criteria provided, single submitter. Criteria: CeGaT Center For Human Genetics Tuebingen Variant Classification Criteria Version 2. Collection method: clinical testing. Allele origin: germline. Affected: yes. Observed: 1 variant allele.
Comment: CNOT1: PP2, BP4, BS1

PreventionGenetics, part of Exact Sciences
Classification: Likely benign for CNOT1-related condition. Last evaluated: 2019-04-01. Review status: no assertion criteria provided. Collection method: clinical testing. Allele origin: germline. Not counted in ClinVar's aggregate classification.
Comment: This variant is classified as likely benign based on ACMG/AMP sequence variant interpretation guidelines (Richards et al. 2015 PMID: 25741868, with internal and published modifications).